The following is an entry in ClinVar:

ClinVar aggregate classification (germline): Uncertain significance. Review status: criteria provided, multiple submitters, no conflicts (2 of 4 stars). 2 submissions from 2 submitters: Uncertain significance (2). Last evaluated 2026-02-16.

Conditions:
Dyskeratosis congenita, autosomal dominant 2. Identifiers: MedGen C3151443, MONDO:0013521, OMIM 613989.
Idiopathic Pulmonary Fibrosis. Also called: Idiopathic fibrosing alveolitis, chronic form; idiopathic fibrosing alveolitis. Identifiers: Orphanet 2032, MedGen C1800706, MeSH D054990, MONDO:0800504.
Dyskeratosis congenita. Identifiers: Orphanet 1775, MedGen C0265965, MONDO:0015780.

gnomAD v4.1: 3 of 1,443,280 alleles (0.00021%); highest among the groups gnomAD compares: Non-Finnish European, 0.00027%; no homozygotes.

Submissions (2):

Ambry Genetics
Classification: Uncertain significance for Dyskeratosis congenita. Last evaluated: 2026-02-16. Review status: criteria provided, single submitter. Criteria: Ambry Variant Classification Scheme 2023. Collection method: clinical testing. Allele origin: germline.
Comment: The p.R37L variant (also known as c.110G>T), located in coding exon 1 of the TERT gene, results from a G to T substitution at nucleotide position 110. The arginine at codon 37 is replaced by leucine, an amino acid with dissimilar properties. This amino acid position is conserved. In addition, this alteration is predicted to be tolerated by in silico analysis. Based on the available evidence, the clinical significance of this variant remains unclear.

Labcorp Genetics (formerly Invitae), Labcorp
Classification: Uncertain significance for Dyskeratosis congenita, autosomal dominant 2; Idiopathic Pulmonary Fibrosis. Last evaluated: 2022-05-15. Review status: criteria provided, single submitter. Criteria: Invitae Variant Classification Sherloc (09022015). Collection method: clinical testing. Allele origin: germline.
Comment: This sequence change replaces arginine, which is basic and polar, with leucine, which is neutral and non-polar, at codon 37 of the TERT protein (p.Arg37Leu). This variant is not present in population databases (gnomAD no frequency). This variant has not been reported in the literature in individuals affected with TERT-related conditions. Advanced modeling of protein sequence and biophysical properties (such as structural, functional, and spatial information, amino acid conservation, physicochemical variation, residue mobility, and thermodynamic stability) performed at Invitae indicates that this missense variant is not expected to disrupt TERT protein function. In summary, the available evidence is currently insufficient to determine the role of this variant in disease. Therefore, it has been classified as a Variant of Uncertain Significance.

NM_198253.3(TERT):c.110G>T (p.Arg37Leu)

Genes: TERT (telomerase reverse transcriptase; minus strand), LOC110806263 (TERT 5' regulatory region; plus strand). Cytogenetic location: 5p15.33.
Variant type: single nucleotide variant.
Coding change: c.110G>T on transcript NM_198253.3 (MANE Select); coding-DNA position 110, G replaced by T.
Protein change: p.Arg37Leu; replaces arginine 37 with leucine.
Molecular consequence: missense variant. On other transcripts: non-coding transcript variant (2).
Genome position (GRCh38, 1-based): chr5:1,294,880, C>A on the plus strand (G>T on the coding strand, the complement: TERT is on the minus strand). VCF-style: chr5-1294880-C-A. GRCh37 (hg19) VCF-style: chr5-1294995-C-A.
Other names: c.110G>T, p.Arg37Leu (NM_001193376.3, NM_003219.1); short protein forms R37L.
Identifiers: ClinVar variation 1914523 (VCV001914523.6), dbSNP rs1239502548, ClinGen allele CA359059287.